The following is an entry in ClinVar:

ClinVar aggregate classification (germline): Conflicting classifications of pathogenicity. Review status: criteria provided, conflicting classifications (1 of 4 stars). 14 submissions from 13 submitters: Uncertain significance (4); Benign (1); Likely benign (7). 2 of the submissions do not count toward it. Last evaluated 2026-03-01.

Conditions:
Cardiovascular phenotype. Identifiers: MedGen CN230736.
Cardiomyopathy (CMYO). Also called: Cardiomyopathies. Identifiers: Orphanet 167848, MedGen C0878544, MONDO:0004994, HP:0001638. Inheritance: Various modes of inheritance.
Catecholaminergic polymorphic ventricular tachycardia 1. Also called: VENTRICULAR TACHYCARDIA, CATECHOLAMINERGIC POLYMORPHIC, 1, WITH OR WITHOUT ATRIAL DYSFUNCTION AND/OR DILATED CARDIOMYOPATHY; RYR2-Related Catecholaminergic Polymorphic Ventricular Tachycardia; VENTRICULAR TACHYCARDIA, STRESS-INDUCED POLYMORPHIC 1. Identifiers: Orphanet 3286, MedGen C1631597, MONDO:0011484, OMIM 604772.
Arrhythmogenic right ventricular dysplasia 2. Identifiers: MedGen C1832931.

Allele frequency attached by ClinVar (database versions not stated): gnomAD exomes 0.00009 and 0.00022; TOPMed 0.00013; gnomAD 0.00014 and 0.00016; ESP Exome Variant Server 0.00017; ExAC 0.00020.
gnomAD v4.1: 178 of 1,613,868 alleles (0.011%); highest among the groups gnomAD compares: Admixed American, 0.012%; no homozygotes.

Submissions (14):

CeGaT Center for Human Genetics Tuebingen
Classification: Benign. Last evaluated: 2026-03-01. Review status: criteria provided, single submitter. Criteria: CeGaT Center For Human Genetics Tuebingen Variant Classification Criteria Version 2. Collection method: clinical testing. Allele origin: germline. Affected: yes. Observed: 1 variant allele.
Comment: RYR2: BS1, BS2

Labcorp Genetics (formerly Invitae), Labcorp
Classification: Likely benign for Catecholaminergic polymorphic ventricular tachycardia 1. Last evaluated: 2026-02-01. Review status: criteria provided, single submitter. Criteria: Invitae Variant Classification Sherloc (09022015). Collection method: clinical testing. Allele origin: germline.

Women's Health and Genetics/Laboratory Corporation of America, LabCorp
Classification: Likely benign. Last evaluated: 2026-01-26. Review status: criteria provided, single submitter. Criteria: LabCorp Variant Classification Summary - May 2015. Collection method: clinical testing. Allele origin: germline.
Comment: Variant summary: RYR2 c.2267G>A (p.Ser756Asn) results in a conservative amino acid change in the encoded protein sequence. Algorithms developed to predict the effect of missense changes on protein structure and function are either unavailable or do not agree on the potential impact of this missense change. The variant allele was found at a frequency of 0.00022 in 249214 control chromosomes, predominantly at a frequency of 0.0045 within the Ashkenazi Jewish subpopulation in the gnomAD database. The observed variant frequency within Ashkenazi Jewish control individuals in the gnomAD database exceeds the estimated maximal expected allele frequency for disease-causing variants in RYR2. c.2267G>A has been observed in at least one individual affected with dilated cardiomyopathy, without strong evidence for causality (e.g. Burstein_2021). This report does not provide unequivocal conclusions about association of the variant with RYR2-related conditions. To our knowledge, no experimental evidence demonstrating an impact on protein function has been reported. The following publications have been ascertained in the context of this evaluation (PMID: 28404607, 32746448). ClinVar contains an entry for this variant (Variation ID: 36739). Based on the evidence outlined above, the variant was classified as likely benign.

GeneDx
Classification: Uncertain significance. Last evaluated: 2025-10-17. Review status: criteria provided, single submitter. Criteria: GeneDx Variant Classification Process June 2021. Collection method: clinical testing. Allele origin: germline. Affected: yes.
Comment: Reported in association with HCM, DCM, and sudden unexplained death (PMID: 25351510, 30878466, 32746448); Not located in one of the three hot-spot regions of the RYR2 gene, where the majority of pathogenic missense variants occur (PMID: 19926015); In silico analysis supports that this missense variant has a deleterious effect on protein structure/function; In silico analysis suggests this variant may impact gene splicing. In the absence of RNA/functional studies, the actual effect of this sequence change is unknown.; This variant is associated with the following publications: (PMID: 30878466, 28404607, 32746448, 19926015, 32152366, 25351510)

Blueprint Genetics
Classification: Likely benign. Last evaluated: 2023-03-31. Review status: criteria provided, single submitter. Criteria: ACMG Guidelines, 2015. Collection method: clinical testing. Allele origin: germline.

Ambry Genetics
Classification: Likely benign for Cardiovascular phenotype. Last evaluated: 2019-01-25. Review status: criteria provided, single submitter. Criteria: Ambry Variant Classification Scheme 2023. Collection method: clinical testing. Allele origin: germline.

Color Diagnostics, LLC DBA Color Health
Classification: Likely benign for Cardiomyopathy. Last evaluated: 2018-10-22. Review status: criteria provided, single submitter. Criteria: ACMG Guidelines, 2015. Collection method: clinical testing. Allele origin: germline.

Laboratory for Molecular Medicine, Mass General Brigham Personalized Medicine
Classification: Likely benign. Last evaluated: 2018-04-09. Review status: criteria provided, single submitter. Criteria: LMM Criteria. Collection method: clinical testing. Allele origin: germline. Observed: 4 variant alleles.
Comment: proposed classification - variant undergoing re-assessment, contact laboratory

Illumina Laboratory Services, Illumina
Classification: Likely benign for Catecholaminergic polymorphic ventricular tachycardia 1. Last evaluated: 2018-01-13. Review status: criteria provided, single submitter. Criteria: ICSL Variant Classification Criteria 13 December 2019. Collection method: clinical testing. Allele origin: germline.
Comment: This variant was observed in the ICSL laboratory as part of a predisposition screen in an ostensibly healthy population. It had not been previously curated by ICSL or reported in the Human Gene Mutation Database (HGMD: prior to June 1st, 2018), and was therefore a candidate for classification through an automated scoring system. Utilizing variant allele frequency, disease prevalence and penetrance estimates, and inheritance mode, an automated score was calculated to assess if this variant is too frequent to cause the disease. Based on the score and internal cut-off values, a variant classified as likely benign is not then subjected to further curation. The score for this variant resulted in a classification of likely benign for this disease.

Illumina Laboratory Services, Illumina
Classification: Uncertain significance for Catecholaminergic polymorphic ventricular tachycardia 1. Last evaluated: 2018-01-13. Review status: criteria provided, single submitter. Criteria: ICSL Variant Classification Criteria 13 December 2019. Collection method: clinical testing. Allele origin: germline.

Stanford Center for Inherited Cardiovascular Disease, Stanford University
Classification: Uncertain significance. Last evaluated: 2017-11-01. Review status: criteria provided, single submitter. Criteria: ACMG Guidelines, 2015. Collection method: provider interpretation. Allele origin: germline.

Molecular Diagnostic Laboratory for Inherited Cardiovascular Disease, Montreal Heart Institute
Classification: Uncertain significance. Last evaluated: 2017-06-28. Review status: criteria provided, single submitter. Criteria: ACMG Guidelines, 2015. Collection method: clinical testing. Allele origin: germline. Affected: yes.

Diagnostic Laboratory, Department of Genetics, University Medical Center Groningen
Classification: Likely benign. Review status: no assertion criteria provided. Collection method: clinical testing. Allele origin: germline. Affected: yes. Study: VKGL Data-share Consensus. Not counted in ClinVar's aggregate classification.

Genome Diagnostics Laboratory, University Medical Center Utrecht
Classification: Likely benign. Review status: no assertion criteria provided. Collection method: clinical testing. Allele origin: germline. Affected: yes. Study: VKGL Data-share Consensus. Not counted in ClinVar's aggregate classification.

Literature cited by the submitters: PubMed 28404607 (cited by Women's Health and Genetics/Laboratory Corporation of America, LabCorp and Ambry Genetics); PubMed 32746448 (cited by Women's Health and Genetics/Laboratory Corporation of America, LabCorp).

NM_001035.3(RYR2):c.2267G>A (p.Ser756Asn)

Gene: RYR2 (ryanodine receptor 2; plus strand). Cytogenetic location: 1q43.
Variant type: single nucleotide variant.
Coding change: c.2267G>A on transcript NM_001035.3 (MANE Select); coding-DNA position 2267, G replaced by A.
Protein change: p.Ser756Asn; replaces serine 756 with asparagine.
Molecular consequence: missense variant.
Genome position (GRCh38, 1-based): chr1:237,500,774, G>A. VCF-style: chr1-237500774-G-A. GRCh37 (hg19) VCF-style: chr1-237664074-G-A.
Other names: p.S756N:AGT>AAT; short protein forms S756N.
Identifiers: ClinVar variation 36739 (VCV000036739.44), dbSNP rs193922623, ClinGen allele CA008736.